The following is an entry in ClinVar:

ClinVar aggregate classification (germline): Uncertain significance (1 of 4 stars; one submission).

Conditions:
Chromosome 2q32-q33 deletion syndrome (GLASS). Also called: Glass syndrome; 2q33.1 deletion syndrome. Identifiers: Orphanet 251019, MedGen C2676739, MONDO:0012864, OMIM 612313.

Submission:

Labcorp Genetics (formerly Invitae), Labcorp
Classification: Uncertain significance for Chromosome 2q32-q33 deletion syndrome. Last evaluated: 2022-03-19. Review status: criteria provided, single submitter. Criteria: Invitae Variant Classification Sherloc (09022015). Collection method: clinical testing. Allele origin: germline.
Comment: In summary, the available evidence is currently insufficient to determine the role of this variant in disease. Therefore, it has been classified as a Variant of Uncertain Significance. Advanced modeling of protein sequence and biophysical properties (such as structural, functional, and spatial information, amino acid conservation, physicochemical variation, residue mobility, and thermodynamic stability) performed at Invitae indicates that this missense variant is not expected to disrupt SATB2 protein function. This variant has not been reported in the literature in individuals affected with SATB2-related conditions. This variant is not present in population databases (gnomAD no frequency). This sequence change replaces valine, which is neutral and non-polar, with leucine, which is neutral and non-polar, at codon 23 of the SATB2 protein (p.Val23Leu).

NM_001172509.2(SATB2):c.67G>C (p.Val23Leu)

Gene: SATB2 (SATB homeobox 2; minus strand). Cytogenetic location: 2q33.1.
Variant type: single nucleotide variant.
Coding change: c.67G>C on transcript NM_001172509.2 (MANE Select); coding-DNA position 67, G replaced by C.
Protein change: p.Val23Leu; replaces valine 23 with leucine.
Molecular consequence: missense variant. On other transcripts: non-coding transcript variant (1).
Genome position (GRCh38, 1-based): chr2:199,455,971, C>G on the plus strand (G>C on the coding strand, the complement: SATB2 is on the minus strand). VCF-style: chr2-199455971-C-G. GRCh37 (hg19) VCF-style: chr2-200320694-C-G.
Other names: c.67G>C, p.Val23Leu (NM_001172517.1, NM_015265.4); short protein forms V23L.
Identifiers: ClinVar variation 2114730 (VCV002114730.4), dbSNP rs2469069862, ClinGen allele CA350388556.